The following is an entry in ClinVar:

NM_001184.4(ATR):c.2051C>A (p.Ser684Tyr)

Gene: ATR (ATR checkpoint kinase; minus strand). Cytogenetic location: 3q23.
Variant type: single nucleotide variant.
Coding change: c.2051C>A on transcript NM_001184.4 (MANE Select); coding-DNA position 2051, C replaced by A.
Protein change: p.Ser684Tyr; replaces serine 684 with tyrosine.
Molecular consequence: missense variant.
Genome position (GRCh38, 1-based): chr3:142,556,410, G>T on the plus strand (C>A on the coding strand, the complement: ATR is on the minus strand). VCF-style: chr3-142556410-G-T. GRCh37 (hg19) VCF-style: chr3-142275252-G-T.
Other names: c.1859C>A, p.Ser620Tyr (NM_001354579.2); short protein forms S684Y, S620Y.
Identifiers: ClinVar variation 1785076 (VCV001785076.2), dbSNP rs2473398224, ClinGen allele CA354819118.
Genomic context (GRCh38, chr3:142,556,410, plus strand): 5'-GTGATATATTCAAATTAAAATCTTAGTACATACATAAGAATCTTGGGAACTCTGTTACAA[G>T]AATTCTGCTGCTGCAATAAGATAAAAAATCCACTAACACAACTAGCCCGGATTACTTCAT-3'
Protein context (NP_001175.2, residues 674-694): GFFILLQQQN[Ser684Tyr]CNRVPKILID

ClinVar aggregate classification (germline): Uncertain significance (1 of 4 stars; one submission).

Conditions:
Inborn genetic diseases. Identifiers: MedGen C0950123, MeSH D030342.

Submission:

Ambry Genetics
Classification: Uncertain significance for Inborn genetic diseases. Last evaluated: 2021-12-10. Review status: criteria provided, single submitter. Criteria: Ambry Variant Classification Scheme 2023. Collection method: clinical testing. Allele origin: germline.
Comment: The p.S684Y variant (also known as c.2051C>A), located in coding exon 9 of the ATR gene, results from a C to A substitution at nucleotide position 2051. The serine at codon 684 is replaced by tyrosine, an amino acid with dissimilar properties. This amino acid position is conserved. In addition, this alteration is predicted to be tolerated by in silico analysis. Since supporting evidence is limited at this time, the clinical significance of this alteration remains unclear.